The following is an entry in ClinVar:

ClinVar aggregate classification (germline): Likely pathogenic. Review status: criteria provided, single submitter (1 of 4 stars). 2 submissions from 2 submitters: Likely pathogenic (1). 1 of the submissions does not count toward it. Last evaluated 2026-08-06.

Conditions:
COG5-related disorder. Also called: COG5-related condition.
COG5-congenital disorder of glycosylation. Also called: CONGENITAL DISORDER OF GLYCOSYLATION, TYPE IIi; CDG IIi; COG5-CDG. Identifiers: Orphanet 263487, MedGen C3150876, MONDO:0013325, OMIM 613612.

Submissions (2):

PreventionGenetics, part of Exact Sciences
Classification: Likely pathogenic for COG5-related condition. Last evaluated: 2026-08-06. Review status: criteria provided, single submitter. Criteria: ACMG Guidelines, 2015. Collection method: clinical testing. Allele origin: germline.
Comment: The COG5 c.556_560delinsCT variant is predicted to result in an in-frame deletion and insertion. This variant, alternatively referred to as c.463_467delinsCT (p.Ser155_Lys156delinsLeu) using the NM_006348.5 transcript, has been reported in the compound heterozygous state in at least two individuals with symptoms of COG5-related congenital disorders of glycosylation (Fung et al. 2011. PubMed ID: 23430875; Rymen et al. 2012. PubMed ID: 23228021; Wang et al. 2024. PubMed ID: 38559322). This variant has also been reported with a partial COG5 gene deletion in a fetus with a potential prenatal presentation of COG5-related congenital disorders of glycosylation (Xue et al. 2024. PubMed ID: 39521787). This variant has not been reported in a large population database (gnomAD), indicating this variant is rare. This variant is interpreted as likely pathogenic.

OMIM
Classification: Pathogenic for CONGENITAL DISORDER OF GLYCOSYLATION, TYPE IIi. Last evaluated: 2020-07-07. Review status: no assertion criteria provided. Collection method: literature only. Allele origin: germline. Not counted in ClinVar's aggregate classification.

Literature cited by the submitters: PubMed 23430875 (cited by OMIM); PubMed 23228021 (cited by OMIM).

NM_006348.5(COG5):c.463_467delinsCT (p.Ser155_Lys156delinsLeu)

Gene: COG5 (component of oligomeric golgi complex 5; minus strand). Cytogenetic location: 7q22.3.
Variant type: Indel.
Coding change: c.463_467delinsCT on transcript NM_006348.5 (MANE Select); coding-DNA positions 463 to 467, AGTAA replaced by CT.
Protein change: p.Ser155_Lys156delinsLeu.
Molecular consequence: inframe indel. On other transcripts: intron variant (1).
Genome position (GRCh38, 1-based): chr7:107,527,308-107,527,312, TTACT replaced by AG on the plus strand (AGTAA replaced by CT on the coding strand, the reverse complement: COG5 is on the minus strand). VCF-style: chr7-107527308-TTACT-AG. GRCh37 (hg19) VCF-style: chr7-107167753-TTACT-AG.
Other names: c.463_467delinsCT, p.Ser155_Lys156delinsLeu (NM_001161520.2, NM_001379511.1, NM_001379512.1 and 4 more transcripts); c.234+30664_234+30668delinsCT (NM_001379516.1).
Identifiers: ClinVar variation 932925 (VCV000932925.2), dbSNP rs1800843840, ClinGen allele CA1139660169.
Genomic context (GRCh38, chr7:107,527,308, plus strand): 5'-AGACTCTGAGCAGCTTTTGTTATCTCTCTACTTCCCCCTTGCAGTTGTCCTTGGAGTCTC[TTACT>AG]GAGATTCAAGATACGAATAATCCTCCGAAGCAAATCACAGGCAACCTGTGCAAACATCAC-3'